The following is an entry in ClinVar:

ClinVar aggregate classification (germline): Uncertain significance (1 of 4 stars; one submission).

Submission:

Labcorp Genetics (formerly Invitae), Labcorp
Classification: Uncertain significance. Last evaluated: 2025-10-26. Review status: criteria provided, single submitter. Criteria: Invitae Variant Classification Sherloc (09022015). Collection method: clinical testing. Allele origin: germline.
Comment: This sequence change replaces serine, which is neutral and polar, with threonine, which is neutral and polar, at codon 60 of the MAP3K8 protein (p.Ser60Thr). This variant is not present in population databases (gnomAD no frequency). This variant has not been reported in the literature in individuals affected with MAP3K8-related conditions. An algorithm developed to predict the effect of missense changes on protein structure and function (PolyPhen-2) suggests that this variant is likely to be tolerated. In summary, the available evidence is currently insufficient to determine the role of this variant in disease. Therefore, it has been classified as a Variant of Uncertain Significance.

NM_005204.4(MAP3K8):c.178T>A (p.Ser60Thr)

Gene: MAP3K8 (mitogen-activated protein kinase kinase kinase 8; plus strand). Cytogenetic location: 10p11.23.
Variant type: single nucleotide variant.
Coding change: c.178T>A on transcript NM_005204.4 (MANE Select); coding-DNA position 178, T replaced by A.
Protein change: p.Ser60Thr; replaces serine 60 with threonine.
Molecular consequence: missense variant.
Genome position (GRCh38, 1-based): chr10:30,439,116, T>A. VCF-style: chr10-30439116-T-A. GRCh37 (hg19) VCF-style: chr10-30728045-T-A.
Other names: c.178T>A, p.Ser60Thr (NM_001244134.1, NM_001320961.2); short protein forms S60T.
Identifiers: ClinVar variation 4729520 (VCV004729520.1).